The following is an entry in ClinVar:

ClinVar aggregate classification (germline): Likely benign. Review status: criteria provided, multiple submitters, no conflicts (2 of 4 stars). 5 submissions from 5 submitters: Likely benign (5). Last evaluated 2026-02-01.

Conditions:
Tuberous sclerosis syndrome (TSC). Also called: Tuberous Sclerosis Complex; Tuberous sclerosis. Identifiers: Orphanet 805, MedGen C0041341, MONDO:0001734.
Tuberous sclerosis 1 (TSC1). Identifiers: Orphanet 805, MedGen C1854465, MONDO:0008612, OMIM 191100.

Allele frequency attached by ClinVar (database versions not stated): ExAC 0.00001; gnomAD 0.00001 and 0.00002; gnomAD exomes 0.00001; TOPMed 0.00003; ESP Exome Variant Server 0.00008.
gnomAD v4.1: 24 of 1,613,344 alleles (0.0015%); highest among the groups gnomAD compares: Admixed American, 0.0033%; no homozygotes.

Submissions (5):

Labcorp Genetics (formerly Invitae), Labcorp
Classification: Likely benign for Tuberous sclerosis 1. Last evaluated: 2026-02-01. Review status: criteria provided, single submitter. Criteria: Invitae Variant Classification Sherloc (09022015). Collection method: clinical testing. Allele origin: germline.

Myriad Genetics, Inc.
Classification: Likely benign for Tuberous sclerosis 1. Last evaluated: 2025-04-29. Review status: criteria provided, single submitter. Criteria: Myriad Autosomal Dominant, Autosomal Recessive and X-Linked Classification Criteria (2023). Collection method: clinical testing. Allele origin: unknown.
Comment: This variant is considered likely benign. This variant is intronic and is not expected to impact mRNA splicing.

All of Us Research Program, National Institutes of Health
Classification: Likely benign for Tuberous sclerosis syndrome. Last evaluated: 2024-08-13. Review status: criteria provided, single submitter. Criteria: ACMG Guidelines, 2015. Collection method: clinical testing. Allele origin: germline. Inheritance: Autosomal dominant inheritance. Observed: 7 variant alleles, 7 heterozygotes.
Comment: This study involves interpretation of variants in research participants for the purpose of population health screening. Participant phenotype was not available at the time of variant classification. Additional details can be found in publication PMID: 35346344, PMCID: PMC8962531

Blueprint Genetics
Classification: Likely benign. Last evaluated: 2023-09-11. Review status: criteria provided, single submitter. Criteria: ACMG Guidelines, 2015. Collection method: clinical testing. Allele origin: germline.

Color Diagnostics, LLC DBA Color Health
Classification: Likely benign for Tuberous sclerosis syndrome. Last evaluated: 2022-11-15. Review status: criteria provided, single submitter. Criteria: ACMG Guidelines, 2015. Collection method: clinical testing. Allele origin: germline.

NM_000368.5(TSC1):c.2976-14C>T

Gene: TSC1 (TSC complex subunit 1; minus strand). Cytogenetic location: 9q34.13.
Variant type: single nucleotide variant.
Coding change: c.2976-14C>T on transcript NM_000368.5 (MANE Select); 14 bases into the intron before coding-DNA position 2976, C replaced by T.
Molecular consequence: intron variant.
Genome position (GRCh38, 1-based): chr9:132,896,768, G>A on the plus strand (C>T on the coding strand, the complement: TSC1 is on the minus strand). VCF-style: chr9-132896768-G-A. GRCh37 (hg19) VCF-style: chr9-135772155-G-A.
Other names: c.2613-14C>T (NM_001362177.2); c.2823-14C>T (NM_001162427.2); c.2973-14C>T (NM_001162426.2).
Identifiers: ClinVar variation 1537616 (VCV001537616.13), dbSNP rs368652971, ClinGen allele CA035276.